The following is an entry in ClinVar:

NM_001103.4(ACTN2):c.1974+5G>A

Gene: ACTN2 (actinin alpha 2; plus strand). Cytogenetic location: 1q43.
Variant type: single nucleotide variant.
Coding change: c.1974+5G>A on transcript NM_001103.4 (MANE Select); 5 bases into the intron after coding-DNA position 1974, G replaced by A.
Molecular consequence: intron variant.
Genome position (GRCh38, 1-based): chr1:236,754,086, G>A. VCF-style: chr1-236754086-G-A. GRCh37 (hg19) VCF-style: chr1-236917386-G-A.
Other names: c.1974+5G>A (NM_001278343.2).
Identifiers: ClinVar variation 4844183 (VCV004844183.1).

ClinVar aggregate classification (germline): Uncertain significance (1 of 4 stars; one submission).

Conditions:
Cardiovascular phenotype. Identifiers: MedGen CN230736.

gnomAD v4.1: 2 of 1,613,732 alleles (0.00012%); highest among the groups gnomAD compares: East Asian, 0.0045%; no homozygotes.

Submission:

Ambry Genetics
Classification: Uncertain significance for Cardiovascular phenotype. Last evaluated: 2026-02-16. Review status: criteria provided, single submitter. Criteria: Ambry Variant Classification Scheme 2023. Collection method: clinical testing. Allele origin: germline.
Comment: The c.1974+5G>A intronic variant results from a G to A substitution 5 nucleotides after coding exon 16 in the ACTN2 gene. This nucleotide position is well conserved in available vertebrate species. In silico splice site analysis predicts that this alteration will not have any significant effect on splicing. Based on the available evidence, the clinical significance of this variant remains unclear.